The following is an entry in ClinVar:

NM_018238.4(AGK):c.632G>A (p.Trp211Ter)

Gene: AGK (acylglycerol kinase; plus strand). Cytogenetic location: 7q34.
Variant type: single nucleotide variant.
Coding change: c.632G>A on transcript NM_018238.4 (MANE Select); coding-DNA position 632, G replaced by A.
Protein change: p.Trp211Ter; replaces tryptophan 211 with a stop codon.
Molecular consequence: nonsense.
Genome position (GRCh38, 1-based): chr7:141,633,944, G>A. VCF-style: chr7-141633944-G-A. GRCh37 (hg19) VCF-style: chr7-141333744-G-A.
Other names: c.632G>A, p.Trp211Ter (NM_001364948.3); short protein forms W211*.
Identifiers: ClinVar variation 1415657 (VCV001415657.6), dbSNP rs2116998520, ClinGen allele CA369537733.

ClinVar aggregate classification (germline): Pathogenic (1 of 4 stars; one submission).

Conditions:
Sengers syndrome. Also called: MITOCHONDRIAL DNA DEPLETION SYNDROME 10 (CARDIOMYOPATHIC TYPE); Cardiomyopathy and cataract. Identifiers: Orphanet 1369, MedGen C1859317, MONDO:0008922, OMIM 212350.
Cataract 38. Also called: Cataract, autosomal recessive congenital 5; Cataract 38, autosomal recessive. Identifiers: Orphanet 91492, MedGen C3553494, MONDO:0013859, OMIM 614691.

Submission:

Labcorp Genetics (formerly Invitae), Labcorp
Classification: Pathogenic for Sengers syndrome; Cataract 38. Last evaluated: 2021-10-19. Review status: criteria provided, single submitter. Criteria: Invitae Variant Classification Sherloc (09022015). Collection method: clinical testing. Allele origin: germline.
Comment: This sequence change creates a premature translational stop signal (p.Trp211*) in the AGK gene. It is expected to result in an absent or disrupted protein product. Loss-of-function variants in AGK are known to be pathogenic (PMID: 22284826). This variant is not present in population databases (gnomAD no frequency). This variant has not been reported in the literature in individuals affected with AGK-related conditions. Algorithms developed to predict the effect of sequence changes on RNA splicing suggest that this variant may create or strengthen a splice site. For these reasons, this variant has been classified as Pathogenic.

Literature cited by the submitters: PubMed 22284826.